The following is an entry in ClinVar:

ClinVar aggregate classification (germline): Uncertain significance (1 of 4 stars; one submission).

Allele frequency attached by ClinVar (database versions not stated): gnomAD exomes 0.00001; TOPMed 0.00002.
gnomAD v4.1: 3 of 1,613,962 alleles (0.00019%); highest among the groups gnomAD compares: African/African-American, 0.0013%; no homozygotes.

Submission:

Labcorp Genetics (formerly Invitae), Labcorp
Classification: Uncertain significance. Last evaluated: 2022-12-08. Review status: criteria provided, single submitter. Criteria: Invitae Variant Classification Sherloc (09022015). Collection method: clinical testing. Allele origin: germline.
Comment: Advanced modeling of protein sequence and biophysical properties (such as structural, functional, and spatial information, amino acid conservation, physicochemical variation, residue mobility, and thermodynamic stability) performed at Invitae indicates that this missense variant is not expected to disrupt SETD5 protein function. This variant has not been reported in the literature in individuals affected with SETD5-related conditions. This variant is not present in population databases (gnomAD no frequency). This sequence change replaces lysine, which is basic and polar, with asparagine, which is neutral and polar, at codon 1093 of the SETD5 protein (p.Lys1093Asn). In summary, the available evidence is currently insufficient to determine the role of this variant in disease. Therefore, it has been classified as a Variant of Uncertain Significance.

NM_001080517.3(SETD5):c.3279A>C (p.Lys1093Asn)

Gene: SETD5 (SET domain containing 5; plus strand). Cytogenetic location: 3p25.3.
Variant type: single nucleotide variant.
Coding change: c.3279A>C on transcript NM_001080517.3 (MANE Select); coding-DNA position 3279, A replaced by C.
Protein change: p.Lys1093Asn; replaces lysine 1093 with asparagine.
Molecular consequence: missense variant.
Genome position (GRCh38, 1-based): chr3:9,473,319, A>C. VCF-style: chr3-9473319-A-C. GRCh37 (hg19) VCF-style: chr3-9515003-A-C.
Other names: c.2985A>C, p.Lys995Asn (NM_001292043.2, NM_001349451.2); short protein forms K1093N, K995N.
Identifiers: ClinVar variation 2998682 (VCV002998682.3), dbSNP rs964366296, ClinGen allele CA69951057.